The following is an entry in ClinVar:

NM_020366.4(RPGRIP1):c.2902A>G (p.Met968Val)

Gene: RPGRIP1 (RPGR interacting protein 1; plus strand). Cytogenetic location: 14q11.2.
Variant type: single nucleotide variant.
Coding change: c.2902A>G on transcript NM_020366.4 (MANE Select); coding-DNA position 2902, A replaced by G.
Protein change: p.Met968Val; replaces methionine 968 with valine.
Molecular consequence: missense variant.
Genome position (GRCh38, 1-based): chr14:21,328,430, A>G. VCF-style: chr14-21328430-A-G. GRCh37 (hg19) VCF-style: chr14-21796589-A-G.
Other names: c.2902A>G (NM_020366.3); c.880A>G, p.Met294Val (NM_001377523.1, NM_001377950.1); c.1828A>G, p.Met610Val (NM_001377948.1); c.988A>G, p.Met330Val (NM_001377949.1); c.382A>G, p.Met128Val (NM_001377951.1); short protein forms M128V, M330V, M968V, M294V, M610V.
Identifiers: ClinVar variation 1410706 (VCV001410706.5), dbSNP rs552951112, ClinGen allele CA7089377.

ClinVar aggregate classification (germline): Uncertain significance. Review status: criteria provided, multiple submitters, no conflicts (2 of 4 stars). 2 submissions from 2 submitters: Uncertain significance (2). Last evaluated 2026-01-01.

Conditions:
Inborn genetic diseases. Identifiers: MedGen C0950123, MeSH D030342.
Cone-rod dystrophy 13 (CORD13). Identifiers: Orphanet 1872, MedGen C2750720, MONDO:0011987, OMIM 608194.
Leber congenital amaurosis 6 (LCA6). Identifiers: Orphanet 65, MedGen C1854260, MONDO:0013446, OMIM 613826.

Allele frequency attached by ClinVar (database versions not stated): gnomAD 0.00001 and 0.00002; gnomAD exomes 0.00001 and 0.00004; TOPMed 0.00002; ExAC 0.00003; 1000 Genomes Project 30x 0.00016; 1000 Genomes Project 0.00020.
gnomAD v4.1: 11 of 1,610,018 alleles (0.00068%); highest among the groups gnomAD compares: East Asian, 0.02%; no homozygotes.

Submissions (2):

Labcorp Genetics (formerly Invitae), Labcorp
Classification: Uncertain significance for Leber congenital amaurosis 6; Cone-rod dystrophy 13. Last evaluated: 2026-01-01. Review status: criteria provided, single submitter. Criteria: Invitae Variant Classification Sherloc (09022015). Collection method: clinical testing. Allele origin: germline.
Comment: This sequence change replaces methionine, which is neutral and non-polar, with valine, which is neutral and non-polar, at codon 968 of the RPGRIP1 protein (p.Met968Val). This variant is present in population databases (rs552951112, gnomAD 0.06%). This variant has not been reported in the literature in individuals affected with RPGRIP1-related conditions. ClinVar contains an entry for this variant (Variation ID: 1410706). An algorithm developed to predict the effect of missense changes on protein structure and function outputs the following: PolyPhen-2: "Benign". The valine amino acid residue is found in multiple mammalian species, which suggests that this missense change does not adversely affect protein function. In summary, the available evidence is currently insufficient to determine the role of this variant in disease. Therefore, it has been classified as a Variant of Uncertain Significance.

Ambry Genetics
Classification: Uncertain significance for Inborn genetic diseases. Last evaluated: 2024-12-03. Review status: criteria provided, single submitter. Criteria: Ambry Variant Classification Scheme 2023. Collection method: clinical testing. Allele origin: germline.